The following is an entry in ClinVar:

NM_001127222.2(CACNA1A):c.5053G>T (p.Val1685Leu)

Gene: CACNA1A (calcium voltage-gated channel subunit alpha1 A; minus strand). Cytogenetic location: 19p13.13.
Variant type: single nucleotide variant.
Coding change: c.5053G>T on transcript NM_001127222.2 (MANE Select); coding-DNA position 5053, G replaced by T.
Protein change: p.Val1685Leu; replaces valine 1685 with leucine.
Molecular consequence: missense variant.
Genome position (GRCh38, 1-based): chr19:13,235,628, C>A on the plus strand (G>T on the coding strand, the complement: CACNA1A is on the minus strand). VCF-style: chr19-13235628-C-A. GRCh37 (hg19) VCF-style: chr19-13346442-C-A.
Other names: c.5071G>T, p.Val1691Leu (NM_000068.4, NM_023035.3); c.5056G>T, p.Val1686Leu (NM_001127221.2); c.5062G>T, p.Val1688Leu (NM_001174080.2); short protein forms V1685L, V1686L, V1688L, V1691L.
Identifiers: ClinVar variation 4529652 (VCV004529652.2).

ClinVar aggregate classification (germline): Uncertain significance (1 of 4 stars; one submission).

Submission:

GeneDx
Classification: Uncertain significance. Last evaluated: 2026-02-02. Review status: criteria provided, single submitter. Criteria: GeneDx Variant Classification Process June 2021. Collection method: clinical testing. Allele origin: germline.
Comment: Not observed at significant frequency in large population cohorts (gnomAD); In silico analysis supports that this missense variant has a deleterious effect on protein structure/function; Has not been previously published as pathogenic or benign to our knowledge